The following is an entry in ClinVar:

ClinVar aggregate classification (germline): Uncertain significance. Review status: criteria provided, multiple submitters, no conflicts (2 of 4 stars). 2 submissions from 2 submitters: Uncertain significance (2). Last evaluated 2023-10-13.

Conditions:
Inborn genetic diseases. Identifiers: MedGen C0950123, MeSH D030342.

Allele frequency attached by ClinVar (database versions not stated): gnomAD exomes 0.00001; ExAC 0.00002; TOPMed 0.00002; gnomAD 0.00005; ESP Exome Variant Server 0.00015; 1000 Genomes Project 30x 0.00016; 1000 Genomes Project 0.00020.
gnomAD v4.1: 27 of 1,613,582 alleles (0.0017%); highest among the groups gnomAD compares: African/African-American, 0.008%; no homozygotes.

Submissions (2):

Labcorp Genetics (formerly Invitae), Labcorp
Classification: Uncertain significance. Last evaluated: 2023-10-13. Review status: criteria provided, single submitter. Criteria: Invitae Variant Classification Sherloc (09022015). Collection method: clinical testing. Allele origin: germline.
Comment: This sequence change replaces arginine, which is basic and polar, with cysteine, which is neutral and slightly polar, at codon 792 of the UNC45A protein (p.Arg792Cys). This variant is present in population databases (rs139226550, gnomAD 0.008%). This variant has not been reported in the literature in individuals affected with UNC45A-related conditions. ClinVar contains an entry for this variant (Variation ID: 2170705). Advanced modeling of protein sequence and biophysical properties (such as structural, functional, and spatial information, amino acid conservation, physicochemical variation, residue mobility, and thermodynamic stability) has been performed at Invitae for this missense variant, however the output from this modeling did not meet the statistical confidence thresholds required to predict the impact of this variant on UNC45A protein function. In summary, the available evidence is currently insufficient to determine the role of this variant in disease. Therefore, it has been classified as a Variant of Uncertain Significance.

Ambry Genetics
Classification: Uncertain significance for Inborn genetic diseases. Last evaluated: 2022-08-08. Review status: criteria provided, single submitter. Criteria: Ambry Variant Classification Scheme 2023. Collection method: clinical testing. Allele origin: germline.

NM_018671.5(UNC45A):c.2374C>T (p.Arg792Cys)

Genes: RCCD1-AS1 (RCCD1 and UNC45A antisense RNA 1; minus strand), UNC45A (unc-45 myosin chaperone A; plus strand). Cytogenetic location: 15q26.1.
Variant type: single nucleotide variant.
Coding change: c.2374C>T on transcript NM_018671.5 (MANE Select); coding-DNA position 2374, C replaced by T.
Protein change: p.Arg792Cys; replaces arginine 792 with cysteine.
Molecular consequence: missense variant. On other transcripts: non-coding transcript variant (1).
Genome position (GRCh38, 1-based): chr15:90,952,999, C>T. VCF-style: chr15-90952999-C-T. GRCh37 (hg19) VCF-style: chr15-91496229-C-T.
Other names: c.2329C>T, p.Arg777Cys (NM_001039675.2, NM_001323621.2); c.2374C>T, p.Arg792Cys (NM_001323619.1); c.1939C>T, p.Arg647Cys (NM_001323620.2); c.2374C>T (NM_018671.3); short protein forms R792C, R647C, R777C.
Identifiers: ClinVar variation 2170705 (VCV002170705.3), dbSNP rs139226550, ClinGen allele CA7743278.